The following is an entry in ClinVar:

NM_000179.3(MSH6):c.112C>G (p.Pro38Ala)

Gene: MSH6 (mutS homolog 6; plus strand). Cytogenetic location: 2p16.3.
Variant type: single nucleotide variant.
Coding change: c.112C>G on transcript NM_000179.3 (MANE Select); coding-DNA position 112, C replaced by G.
Protein change: p.Pro38Ala; replaces proline 38 with alanine.
Molecular consequence: missense variant. On other transcripts: 5 prime UTR variant (1).
Genome position (GRCh38, 1-based): chr2:47,783,345, C>G. VCF-style: chr2-47783345-C-G. GRCh37 (hg19) VCF-style: chr2-48010484-C-G.
Other names: c.112C>G, p.Pro38Ala (NM_001281492.2); c.-625C>G (NM_001281493.2); short protein forms P38A.
Identifiers: ClinVar variation 1507301 (VCV001507301.8), dbSNP rs764009461, ClinGen allele CA346734854.

ClinVar aggregate classification (germline): Conflicting classifications of pathogenicity. Review status: criteria provided, conflicting classifications (1 of 4 stars). 2 submissions from 2 submitters: Uncertain significance (1); Likely benign (1). Last evaluated 2024-09-18.

Conditions:
Hereditary cancer-predisposing syndrome. Also called: Hereditary neoplastic syndrome; Neoplastic Syndromes, Hereditary; Tumor predisposition; Hereditary Cancer Syndrome. Identifiers: Orphanet 140162, MedGen C0027672, MeSH D009386, MONDO:0015356.
Hereditary nonpolyposis colorectal neoplasms. Identifiers: MedGen C0009405, MeSH D003123.

Submissions (2):

Labcorp Genetics (formerly Invitae), Labcorp
Classification: Uncertain significance for Hereditary nonpolyposis colorectal neoplasms. Last evaluated: 2024-09-18. Review status: criteria provided, single submitter. Criteria: Invitae Variant Classification Sherloc (09022015). Collection method: clinical testing. Allele origin: germline.
Comment: This sequence change replaces proline, which is neutral and non-polar, with alanine, which is neutral and non-polar, at codon 38 of the MSH6 protein (p.Pro38Ala). This variant is not present in population databases (gnomAD no frequency). This variant has not been reported in the literature in individuals affected with MSH6-related conditions. ClinVar contains an entry for this variant (Variation ID: 1507301). Invitae Evidence Modeling of protein sequence and biophysical properties (such as structural, functional, and spatial information, amino acid conservation, physicochemical variation, residue mobility, and thermodynamic stability) indicates that this missense variant is not expected to disrupt MSH6 protein function with a negative predictive value of 95%. In summary, the available evidence is currently insufficient to determine the role of this variant in disease. Therefore, it has been classified as a Variant of Uncertain Significance.

Ambry Genetics
Classification: Likely benign for Hereditary cancer-predisposing syndrome. Last evaluated: 2024-01-05. Review status: criteria provided, single submitter. Criteria: Ambry Variant Classification Scheme 2023. Collection method: clinical testing. Allele origin: germline.